The following is an entry in ClinVar:

NM_020693.4(DSCAML1):c.766G>A (p.Ala256Thr)

Gene: DSCAML1 (DS cell adhesion molecule like 1; minus strand). Cytogenetic location: 11q23.3.
Variant type: single nucleotide variant.
Coding change: c.766G>A on transcript NM_020693.4 (MANE Select); coding-DNA position 766, G replaced by A.
Protein change: p.Ala256Thr; replaces alanine 256 with threonine.
Molecular consequence: missense variant.
Genome position (GRCh38, 1-based): chr11:117,524,976, C>T on the plus strand (G>A on the coding strand, the complement: DSCAML1 is on the minus strand). VCF-style: chr11-117524976-C-T. GRCh37 (hg19) VCF-style: chr11-117395691-C-T.
Other names: c.946G>A (NM_020693.2); c.766G>A, p.Ala256Thr (NM_001367904.1); c.358G>A, p.Ala120Thr (NM_001367905.1); short protein forms A120T, A256T.
Identifiers: ClinVar variation 1379337 (VCV001379337.7), dbSNP rs369173732, ClinGen allele CA6297454.

ClinVar aggregate classification (germline): Uncertain significance. Review status: criteria provided, multiple submitters, no conflicts (2 of 4 stars). 2 submissions from 2 submitters: Uncertain significance (2). Last evaluated 2025-09-23.

Allele frequency attached by ClinVar (database versions not stated): gnomAD 0.00005 and 0.00007; ESP Exome Variant Server 0.00008; gnomAD exomes 0.00011; TOPMed 0.00011; ExAC 0.00019; 1000 Genomes Project 30x 0.00031; 1000 Genomes Project 0.00040.
gnomAD v4.1: 105 of 1,612,490 alleles (0.0065%); highest among the groups gnomAD compares: South Asian, 0.054%; no homozygotes.

Submissions (2):

Labcorp Genetics (formerly Invitae), Labcorp
Classification: Uncertain significance. Last evaluated: 2025-09-23. Review status: criteria provided, single submitter. Criteria: Invitae Variant Classification Sherloc (09022015). Collection method: clinical testing. Allele origin: germline.
Comment: This sequence change replaces alanine, which is neutral and non-polar, with threonine, which is neutral and polar, at codon 316 of the DSCAML1 protein (p.Ala316Thr). This variant is present in population databases (rs369173732, gnomAD 0.06%), and has an allele count higher than expected for a pathogenic variant. This variant has not been reported in the literature in individuals affected with DSCAML1-related conditions. ClinVar contains an entry for this variant (Variation ID: 1379337). An algorithm developed to predict the effect of missense changes on protein structure and function (PolyPhen-2) suggests that this variant is likely to be tolerated. In summary, the available evidence is currently insufficient to determine the role of this variant in disease. Therefore, it has been classified as a Variant of Uncertain Significance.

Ambry Genetics
Classification: Uncertain significance. Last evaluated: 2025-08-29. Review status: criteria provided, single submitter. Criteria: Ambry Variant Classification Scheme 2023. Collection method: clinical testing. Allele origin: germline.